The following is an entry in ClinVar:

ClinVar aggregate classification (germline): Uncertain significance (1 of 4 stars; one submission).

Conditions:
Cardiomyopathy (CMYO). Also called: Cardiomyopathies. Identifiers: Orphanet 167848, MedGen C0878544, MONDO:0004994, HP:0001638. Inheritance: Various modes of inheritance.

Allele frequency attached by ClinVar (database versions not stated): TOPMed below 0.00001.
gnomAD v4.1: 4 of 1,614,208 alleles (0.00025%); highest among the groups gnomAD compares: Non-Finnish European, 0.00034%; no homozygotes.

Submission:

Color Diagnostics, LLC DBA Color Health
Classification: Uncertain significance for Cardiomyopathy. Last evaluated: 2023-12-05. Review status: criteria provided, single submitter. Criteria: ACMG Guidelines, 2015. Collection method: clinical testing. Allele origin: germline.
Comment: Variant of Uncertain Significance due to insufficient evidence: This missense variant replaces alanine with threonine at codon 2806 of the DSP protein. Computational prediction tools and conservation analyses are inconclusive regarding the impact of this variant on the protein function. Computational splicing tools suggest that this variant may not impact RNA splicing. To our knowledge, functional assays have not been performed for this variant nor has this variant been reported in individuals affected with cardiovascular disorders in the literature. This variant is rare in the general population and has been identified in 0/277264 chromosomes by the Genome Aggregation Database (gnomAD). Available evidence is insufficient to determine the role of this variant in disease conclusively.

NM_004415.4(DSP):c.8416G>A (p.Ala2806Thr)

Gene: DSP (desmoplakin; plus strand). Cytogenetic location: 6p24.3.
Variant type: single nucleotide variant.
Coding change: c.8416G>A on transcript NM_004415.4 (MANE Select); coding-DNA position 8416, G replaced by A.
Protein change: p.Ala2806Thr; replaces alanine 2806 with threonine.
Molecular consequence: missense variant.
Genome position (GRCh38, 1-based): chr6:7,585,678, G>A. VCF-style: chr6-7585678-G-A. GRCh37 (hg19) VCF-style: chr6-7585911-G-A.
Other names: c.6619G>A, p.Ala2207Thr (NM_001008844.3); c.7087G>A, p.Ala2363Thr (NM_001319034.2); short protein forms A2207T, A2363T, A2806T.
Identifiers: ClinVar variation 925958 (VCV000925958.5), dbSNP rs1005621727, ClinGen allele CA133977982.